The following is an entry in ClinVar:

ClinVar aggregate classification (germline): Uncertain significance (1 of 4 stars; one submission).

Conditions:
Cornelia de Lange syndrome 3 (CDLS3). Also called: CORNELIA DE LANGE SYNDROME 3 WITH OR WITHOUT MIDLINE BRAIN DEFECTS; SMC3-Related Cornelia de Lange Syndrome. Identifiers: Orphanet 199, MedGen C1853099, MONDO:0012555, OMIM 610759.

Submission:

3billion
Classification: Uncertain significance for Cornelia de Lange syndrome 3. Last evaluated: 2023-08-02. Review status: criteria provided, single submitter. Criteria: ACMG Guidelines, 2015. Collection method: clinical testing. Allele origin: germline. Affected: yes.
Comment: The variant is not observed in the gnomAD v2.1.1 dataset. Predicted Consequence/Location: Intron variant In silico tools predict the variant to alter splicing and produce an abnormal transcript [SpliceAI: 0.34 (>=0.2, moderate evidence for spliceogenicity)]. Functional studies are recommended to observe the exact consequence. Therefore, this variant is classified as VUS according to the recommendation of ACMG/AMP guideline.

NM_005445.4(SMC3):c.2535+4T>G

Gene: SMC3 (structural maintenance of chromosomes 3; plus strand). Cytogenetic location: 10q25.2.
Variant type: single nucleotide variant.
Coding change: c.2535+4T>G on transcript NM_005445.4 (MANE Select); 4 bases into the intron after coding-DNA position 2535, T replaced by G.
Molecular consequence: intron variant.
Genome position (GRCh38, 1-based): chr10:110,600,550, T>G. VCF-style: chr10-110600550-T-G. GRCh37 (hg19) VCF-style: chr10-112360308-T-G.
Identifiers: ClinVar variation 3776157 (VCV003776157.1).